The following is an entry in ClinVar:

ClinVar aggregate classification (germline): Uncertain significance (1 of 4 stars; one submission).

Allele frequency attached by ClinVar (database versions not stated): TOPMed below 0.00001.
gnomAD v4.1: 7 of 1,606,744 alleles (0.00044%); highest among the groups gnomAD compares: Non-Finnish European, 0.0006%; no homozygotes.

Submission:

Women's Health and Genetics/Laboratory Corporation of America, LabCorp
Classification: Uncertain significance. Last evaluated: 2024-03-15. Review status: criteria provided, single submitter. Criteria: LabCorp Variant Classification Summary - May 2015. Collection method: clinical testing. Allele origin: germline.
Comment: Variant summary: CDC42BPB c.2582C>T (p.Pro861Leu) results in a non-conservative amino acid change in the encoded protein sequence. Three of five in-silico tools predict a benign effect of the variant on protein function. The variant allele was found at a frequency of 8.2e-06 in 245396 control chromosomes (gnomAD). The available data on variant occurrences in the general population are insufficient to allow any conclusion about variant significance. To our knowledge, no occurrence of c.2582C>T in individuals affected with Chilton-Okur Neurodevelopmental Syndrome and no experimental evidence demonstrating its impact on protein function have been reported. No submitters have cited clinical-significance assessments for this variant to ClinVar. Based on the evidence outlined above, the variant was classified as uncertain significance.

NM_006035.4(CDC42BPB):c.2582C>T (p.Pro861Leu)

Gene: CDC42BPB (CDC42 binding protein kinase beta; minus strand). Cytogenetic location: 14q32.32.
Variant type: single nucleotide variant.
Coding change: c.2582C>T on transcript NM_006035.4 (MANE Select); coding-DNA position 2582, C replaced by T.
Protein change: p.Pro861Leu; replaces proline 861 with leucine.
Molecular consequence: missense variant.
Genome position (GRCh38, 1-based): chr14:102,964,646, G>A on the plus strand (C>T on the coding strand, the complement: CDC42BPB is on the minus strand). VCF-style: chr14-102964646-G-A. GRCh37 (hg19) VCF-style: chr14-103430983-G-A.
Other names: c.2582C>T, p.Pro861Leu (NM_001411054.1); short protein forms P861L.
Identifiers: ClinVar variation 3233918 (VCV003233918.2), dbSNP rs1319568762, ClinGen allele CA391082946.
Genomic context (GRCh38, chr14:102,964,646, plus strand): 5'-GACTGCAGCTCCAGCCGCGCGGACATGTCCAGCTTCTGGCTGCGGCGCACCTTCCACAGC[G>A]GGTCCTTGAGACACGGTCATGGCGTTAAAAATGCATTTTCAGTTATCCGCTTGTTAAACT-3'
Protein context (NP_006026.3, residues 851-871): SSSLGSRTLD[Pro861Leu]LWKVRRSQKL